The following is an entry in ClinVar:

ClinVar aggregate classification (germline): Benign/Likely benign. Review status: criteria provided, multiple submitters, no conflicts (2 of 4 stars). 3 submissions from 3 submitters: Benign (1); Likely benign (2). Last evaluated 2026-02-09.

Conditions:
UNC45A-related disorder. Also called: UNC45A-related condition.

Allele frequency attached by ClinVar (database versions not stated): gnomAD 0.00007 and 0.00019; gnomAD exomes 0.00041; ExAC 0.00046; 1000 Genomes Project 0.00080; 1000 Genomes Project 30x 0.00094; TOPMed 0.00007; ESP Exome Variant Server 0.00015.
gnomAD v4.1: 429 of 1,614,196 alleles (0.027%); highest among the groups gnomAD compares: South Asian, 0.32%; 2 homozygotes.

Submissions (3):

PreventionGenetics, part of Exact Sciences
Classification: Likely benign for UNC45A-related condition. Last evaluated: 2026-02-09. Review status: criteria provided, single submitter. Criteria: ACMG Guidelines, 2015. Collection method: clinical testing. Allele origin: germline.
Comment: This variant is classified as likely benign based on ACMG/AMP sequence variant interpretation guidelines (Richards et al. 2015 PMID: 25741868, with internal and published modifications).

Labcorp Genetics (formerly Invitae), Labcorp
Classification: Benign. Last evaluated: 2025-12-17. Review status: criteria provided, single submitter. Criteria: Invitae Variant Classification Sherloc (09022015). Collection method: clinical testing. Allele origin: germline.

Blueprint Genetics
Classification: Likely benign. Last evaluated: 2024-04-05. Review status: criteria provided, single submitter. Criteria: ACMG Guidelines, 2015. Collection method: clinical testing. Allele origin: germline.

NM_018671.5(UNC45A):c.1395C>T (p.Ala465=)

Gene: UNC45A (unc-45 myosin chaperone A; plus strand). Cytogenetic location: 15q26.1.
Variant type: single nucleotide variant.
Coding change: c.1395C>T on transcript NM_018671.5 (MANE Select); coding-DNA position 1395, C replaced by T.
Protein change: p.Ala465=; no amino-acid change (alanine 465 retained).
Molecular consequence: synonymous variant.
Genome position (GRCh38, 1-based): chr15:90,946,809, C>T. VCF-style: chr15-90946809-C-T. GRCh37 (hg19) VCF-style: chr15-91490039-C-T.
Other names: c.1350C>T, p.Ala450= (NM_001039675.2, NM_001323621.2); c.1395C>T, p.Ala465= (NM_001323619.1); c.960C>T, p.Ala320= (NM_001323620.2).
Identifiers: ClinVar variation 1607629 (VCV001607629.10), dbSNP rs370353156, ClinGen allele CA7742888.